The following is an entry in ClinVar:

ClinVar aggregate classification (germline): Pathogenic (1 of 4 stars; one submission).

Submission:

Labcorp Genetics (formerly Invitae), Labcorp
Classification: Pathogenic. Last evaluated: 2025-07-29. Review status: criteria provided, single submitter. Criteria: Invitae Variant Classification Sherloc (09022015). Collection method: clinical testing. Allele origin: germline.
Comment: This sequence change creates a premature translational stop signal (p.Asp127Argfs*39) in the PDE6B gene. It is expected to result in an absent or disrupted protein product. Loss-of-function variants in PDE6B are known to be pathogenic (PMID: 8394174, 8595886, 22334370). This variant is not present in population databases (gnomAD no frequency). This variant has not been reported in the literature in individuals affected with PDE6B-related conditions. For these reasons, this variant has been classified as Pathogenic.

Literature cited by the submitters: PubMed 8394174; PubMed 8595886; PubMed 22334370.

NM_000283.4(PDE6B):c.378dup (p.Asp127fs)

Gene: PDE6B (phosphodiesterase 6B; plus strand). Cytogenetic location: 4p16.3.
Variant type: Duplication.
Coding change: c.378dup on transcript NM_000283.4 (MANE Select); coding-DNA position 378, one base duplicated (C; older notation c.378dupC).
Protein change: p.Asp127fs; shifts the reading frame from aspartic acid 127.
Molecular consequence: frameshift variant.
Genome position (GRCh38, 1-based): chr4:626,004, C duplicated; the last of 6 consecutive C bases (chr4:625,999-626,004); duplicating any one gives the same sequence. VCF-style (leftmost placement, unchanged base first): chr4-625998-G-GC. GRCh37 (hg19) VCF-style: chr4-619787-G-GC.
Other names: c.378dup, p.Asp127fs (NM_001145291.2, NM_001440547.1, NM_001440548.1); short protein forms D127fs.
Identifiers: ClinVar variation 4775634 (VCV004775634.1).